The following is an entry in ClinVar:

NM_182961.4(SYNE1):c.24724G>A (p.Asp8242Asn)

Gene: SYNE1 (spectrin repeat containing nuclear envelope protein 1; minus strand). Cytogenetic location: 6q25.2.
Variant type: single nucleotide variant.
Coding change: c.24724G>A on transcript NM_182961.4 (MANE Select); coding-DNA position 24724, G replaced by A.
Protein change: p.Asp8242Asn; replaces aspartic acid 8242 with asparagine.
Molecular consequence: missense variant.
Genome position (GRCh38, 1-based): chr6:152,148,297, C>T on the plus strand (G>A on the coding strand, the complement: SYNE1 is on the minus strand). VCF-style: chr6-152148297-C-T. GRCh37 (hg19) VCF-style: chr6-152469432-C-T.
Other names: c.1330G>A, p.Asp444Asn (NM_001347701.2); c.1189G>A, p.Asp397Asn (NM_001347702.2); c.24511G>A, p.Asp8171Asn (NM_033071.5); short protein forms D8171N, D8242N, D444N, D397N.
Identifiers: ClinVar variation 573152 (VCV000573152.9), dbSNP rs751624606, ClinGen allele CA4053090.

ClinVar aggregate classification (germline): Uncertain significance (1 of 4 stars; one submission).

Conditions:
Emery-Dreifuss muscular dystrophy 4, autosomal dominant (EDMD4). Also called: EMERY-DREIFUSS MUSCULAR DYSTROPHY 4 WITH VARIABLE FEATURES. Identifiers: Orphanet 261, MedGen C2751807, MONDO:0013071, OMIM 612998.
Autosomal recessive ataxia, Beauce type. Also called: SYNE1-Related Autosomal Recessive Cerebellar Ataxia; Spinocerebellar ataxia, autosomal recessive 8; ATAXIA, RECESSIVE, OF BEAUCE; SYNE1 Deficiency. Identifiers: Orphanet 88644, MedGen C1853116, MONDO:0012549, OMIM 610743.

Allele frequency attached by ClinVar (database versions not stated): ExAC 0.00001; gnomAD exomes 0.00001 and 0.00002; TOPMed 0.00001.
gnomAD v4.1: 7 of 1,613,736 alleles (0.00043%); highest among the groups gnomAD compares: Admixed American, 0.005%; no homozygotes.

Submission:

Labcorp Genetics (formerly Invitae), Labcorp
Classification: Uncertain significance for Emery-Dreifuss muscular dystrophy 4, autosomal dominant; Autosomal recessive ataxia, Beauce type. Last evaluated: 2022-11-22. Review status: criteria provided, single submitter. Criteria: Invitae Variant Classification Sherloc (09022015). Collection method: clinical testing. Allele origin: germline.
Comment: This variant is present in population databases (rs751624606, gnomAD 0.009%). This sequence change replaces aspartic acid, which is acidic and polar, with asparagine, which is neutral and polar, at codon 8171 of the SYNE1 protein (p.Asp8171Asn). This variant has not been reported in the literature in individuals affected with SYNE1-related conditions. ClinVar contains an entry for this variant (Variation ID: 573152). Algorithms developed to predict the effect of missense changes on protein structure and function are either unavailable or do not agree on the potential impact of this missense change (SIFT: "Deleterious"; PolyPhen-2: "Benign"; Align-GVGD: "Class C0"). In summary, the available evidence is currently insufficient to determine the role of this variant in disease. Therefore, it has been classified as a Variant of Uncertain Significance.